The following is an entry in ClinVar:

ClinVar aggregate classification (germline): Benign. Review status: criteria provided, multiple submitters, no conflicts (2 of 4 stars). 10 submissions from 9 submitters: Benign (7). 3 of the submissions do not count toward it. Last evaluated 2026-02-03.

Conditions:
Progressive demyelinating neuropathy with bilateral striatal necrosis (THMD4). Also called: Thiamine metabolism dysfunction syndrome 4 (progressive polyneuropathy type); Thiamine Metabolism Dysfunction Syndrome 4 (THMD-4); BILATERAL STRIATAL DEGENERATION AND PROGRESSIVE POLYNEUROPATHY. Identifiers: Orphanet 217396, MedGen C3150973, MONDO:0013382, OMIM 613710.
Amish lethal microcephaly (MCPHA). Also called: THIAMINE METABOLISM DYSFUNCTION SYNDROME 3 (MICROCEPHALY TYPE); MICROCEPHALY, AMISH TYPE. Identifiers: Orphanet 99742, MedGen C1846648, MONDO:0011790, OMIM 607196.

Allele frequency attached by ClinVar (database versions not stated): gnomAD 0.53886 and 0.52943; gnomAD exomes 0.68535 and 0.66441; TOPMed 0.51811; ESP Exome Variant Server 0.50308; 1000 Genomes Project 0.53015; ExAC 0.65168; 1000 Genomes Project 30x 0.51499.
gnomAD v4.1: 1,081,444 of 1,613,246 alleles (67%); highest among the groups gnomAD compares: East Asian, 88%; 377,145 homozygotes.

Submissions (10):

Labcorp Genetics (formerly Invitae), Labcorp
Classification: Benign. Last evaluated: 2026-02-03. Review status: criteria provided, single submitter. Criteria: Invitae Variant Classification Sherloc (09022015). Collection method: clinical testing. Allele origin: germline.

Genome-Nilou Lab
Classification: Benign for Amish lethal microcephaly. Last evaluated: 2021-07-15. Review status: criteria provided, single submitter. Criteria: ACMG Guidelines, 2015. Collection method: clinical testing. Allele origin: germline. Affected: no.

Genome-Nilou Lab
Classification: Benign for Progressive demyelinating neuropathy with bilateral striatal necrosis. Last evaluated: 2021-07-15. Review status: criteria provided, single submitter. Criteria: ACMG Guidelines, 2015. Collection method: clinical testing. Allele origin: germline. Affected: no.

Illumina Laboratory Services, Illumina
Classification: Benign for Amish lethal microcephaly. Last evaluated: 2018-01-13. Review status: criteria provided, single submitter. Criteria: ICSL Variant Classification Criteria 13 December 2019. Collection method: clinical testing. Allele origin: germline.
Comment: This variant was observed in the ICSL laboratory as part of a predisposition screen in an ostensibly healthy population. It had not been previously curated by ICSL or reported in the Human Gene Mutation Database (HGMD: prior to June 1st, 2018), and was therefore a candidate for classification through an automated scoring system. Utilizing variant allele frequency, disease prevalence and penetrance estimates, and inheritance mode, an automated score was calculated to assess if this variant is too frequent to cause the disease. Based on the score and internal cut-off values, a variant classified as benign is not then subjected to further curation. The score for this variant resulted in a classification of benign for this disease.

Athena Diagnostics
Classification: Benign. Last evaluated: 2017-04-20. Review status: criteria provided, single submitter. Criteria: Athena Diagnostics Criteria. Collection method: clinical testing. Allele origin: germline.

GeneDx
Classification: Benign. Last evaluated: 2015-03-03. Review status: criteria provided, single submitter. Criteria: GeneDx Variant Classification Process June 2021. Collection method: clinical testing. Allele origin: germline. Affected: yes.

Breakthrough Genomics
Classification: Benign. Review status: criteria provided, single submitter. Criteria: ACMG Guidelines, 2015. Collection method: not provided. Allele origin: germline. Inheritance: Autosomal recessive inheritance. Affected: yes.

Mayo Clinic Laboratories, Mayo Clinic
Classification: Benign. Last evaluated: 2016-02-19. Review status: no assertion criteria provided. Collection method: clinical testing. Allele origin: unknown. Not counted in ClinVar's aggregate classification.

Clinical Genetics DNA and cytogenetics Diagnostics Lab, Erasmus MC, Erasmus Medical Center
Classification: Benign. Review status: no assertion criteria provided. Collection method: clinical testing. Allele origin: germline. Affected: yes. Study: VKGL Data-share Consensus. Not counted in ClinVar's aggregate classification.

Genetic Services Laboratory, University of Chicago
Classification: Likely benign for AllHighlyPenetrant. Review status: no assertion criteria provided. Collection method: clinical testing. Allele origin: germline. Inheritance: Autosomal recessive inheritance. Not counted in ClinVar's aggregate classification.
Comment: Likely benign based on allele frequency in 1000 Genomes Project or ESP global frequency and its presence in a patient with a rare or unrelated disease phenotype. NOT Sanger confirmed.

NM_001126121.2(SLC25A19):c.819G>A (p.Leu273=)

Genes: MIF4GD-DT (MIF4GD divergent transcript; plus strand), SLC25A19 (solute carrier family 25 member 19; minus strand). Cytogenetic location: 17q25.1.
Variant type: single nucleotide variant.
Coding change: c.819G>A on transcript NM_001126121.2 (MANE Select); coding-DNA position 819, G replaced by A.
Protein change: p.Leu273=; no amino-acid change (leucine 273 retained).
Molecular consequence: synonymous variant. On other transcripts: non-coding transcript variant (1).
Genome position (GRCh38, 1-based): chr17:75,273,595, C>T on the plus strand (G>A on the coding strand, the complement: SLC25A19 is on the minus strand). VCF-style: chr17-75273595-C-T. GRCh37 (hg19) VCF-style: chr17-73269676-C-T.
Other names: c.819G>A, p.Leu273= (NM_001126122.2, NM_021734.5).
Identifiers: ClinVar variation 130333 (VCV000130333.31), dbSNP rs4789164, ClinGen allele CA155227.
Genomic context (GRCh38, chr17:75,273,595, plus strand): 5'-GGCAGCCTTCAGCAAGCTGGGGGACAGGCCCTTGAAGAAGCCCAGGGCGCCTTCCTTTTG[C>T]AGCACCTGCTTGGCACAGTCCATGAGGCCCTTGTATCTCCGTACCTGGGGAGAGGAAAGG-3'
Protein context (NP_001119593.1, residues 263-283): KGLMDCAKQV[Leu273=]QKEGALGFFK